The following is an entry in ClinVar:

ClinVar aggregate classification (germline): Uncertain significance. Review status: criteria provided, multiple submitters, no conflicts (2 of 4 stars). 2 submissions from 2 submitters: Uncertain significance (2). Last evaluated 2024-01-15.

Conditions:
Fanconi anemia (FA). Also called: Fanconi's anemia. Identifiers: Orphanet 84, MedGen C0015625, MeSH D005199, MONDO:0019391.
Fanconi anemia complementation group G. Also called: Fanconi anemia group G; FANCG-Related Fanconi Anemia. Identifiers: Orphanet 84, MedGen C3469527, MONDO:0013565, OMIM 614082.

gnomAD v4.1: 2 of 1,614,158 alleles (0.00012%); highest among the groups gnomAD compares: Middle Eastern, 0.016%; no homozygotes.

Submissions (2):

Fulgent Genetics
Classification: Uncertain significance for Fanconi anemia complementation group G. Last evaluated: 2024-01-15. Review status: criteria provided, single submitter. Criteria: ACMG Guidelines, 2015. Collection method: clinical testing. Allele origin: germline.

Labcorp Genetics (formerly Invitae), Labcorp
Classification: Uncertain significance for Fanconi anemia. Last evaluated: 2021-09-17. Review status: criteria provided, single submitter. Criteria: Invitae Variant Classification Sherloc (09022015). Collection method: clinical testing. Allele origin: germline.
Comment: This sequence change replaces arginine with glutamine at codon 22 of the FANCG protein (p.Arg22Gln). The arginine residue is weakly conserved and there is a small physicochemical difference between arginine and glutamine. This variant is not present in population databases (ExAC no frequency). This variant has not been reported in the literature in individuals affected with FANCG-related conditions. Algorithms developed to predict the effect of missense changes on protein structure and function output the following: SIFT: "Tolerated"; PolyPhen-2: "Benign"; Align-GVGD: "Class C0". The glutamine amino acid residue is found in multiple mammalian species, which suggests that this missense change does not adversely affect protein function. In summary, the available evidence is currently insufficient to determine the role of this variant in disease. Therefore, it has been classified as a Variant of Uncertain Significance.

NM_004629.2(FANCG):c.65G>A (p.Arg22Gln)

Gene: FANCG (FA complementation group G; minus strand). Cytogenetic location: 9p13.3.
Variant type: single nucleotide variant.
Coding change: c.65G>A on transcript NM_004629.2 (MANE Select); coding-DNA position 65, G replaced by A.
Protein change: p.Arg22Gln; replaces arginine 22 with glutamine.
Molecular consequence: missense variant.
Genome position (GRCh38, 1-based): chr9:35,079,460, C>T on the plus strand (G>A on the coding strand, the complement: FANCG is on the minus strand). VCF-style: chr9-35079460-C-T. GRCh37 (hg19) VCF-style: chr9-35079457-C-T.
Other names: short protein forms R22Q.
Identifiers: ClinVar variation 1367418 (VCV001367418.4), dbSNP rs1829144428, ClinGen allele CA373315915.